The following is an entry in ClinVar:

ClinVar aggregate classification (germline): Uncertain significance (1 of 4 stars; one submission).

Submission:

Ambry Genetics
Classification: Uncertain significance. Last evaluated: 2026-06-24. Review status: criteria provided, single submitter. Criteria: Ambry Variant Classification Scheme 2023. Collection method: clinical testing. Allele origin: germline.
Comment: The c.359A>G (p.K120R) alteration is located in exon 3 (coding exon 3) of the WDR46 gene. This alteration results from a A to G substitution at nucleotide position 359, causing the lysine (K) at amino acid position 120 to be replaced by an arginine (R). Based on data from gnomAD, the G allele has an overall frequency of 0.003% (1/31256) total alleles studied. The highest observed frequency was 0.007% (1/15344) of European (non-Finnish) alleles. Based on insufficient or conflicting evidence, the clinical significance of this alteration remains unclear.

NM_005452.6(WDR46):c.359A>G (p.Lys120Arg)

Gene: WDR46 (WD repeat domain 46; minus strand). Cytogenetic location: 6p21.32.
Variant type: single nucleotide variant.
Coding change: c.359A>G on transcript NM_005452.6 (MANE Select); coding-DNA position 359, A replaced by G.
Protein change: p.Lys120Arg; replaces lysine 120 with arginine.
Molecular consequence: missense variant.
Genome position (GRCh38, 1-based): chr6:33,288,615, T>C on the plus strand (A>G on the coding strand, the complement: WDR46 is on the minus strand). VCF-style: chr6-33288615-T-C. GRCh37 (hg19) VCF-style: chr6-33256392-T-C.
Other names: c.197A>G, p.Lys66Arg (NM_001164267.2); short protein forms K120R, K66R.
Identifiers: ClinVar variation 5031763 (VCV005031763.1).